The following is an entry in ClinVar:

NM_022436.3(ABCG5):c.1367G>A (p.Gly456Asp)

Genes: ABCG5 (ATP binding cassette subfamily G member 5; minus strand), DYNC2LI1 (dynein cytoplasmic 2 light intermediate chain 1; plus strand). Cytogenetic location: 2p21.
Variant type: single nucleotide variant.
Coding change: c.1367G>A on transcript NM_022436.3 (MANE Select); coding-DNA position 1367, G replaced by A.
Protein change: p.Gly456Asp; replaces glycine 456 with aspartic acid.
Molecular consequence: missense variant. On other transcripts: intron variant (2).
Genome position (GRCh38, 1-based): chr2:43,822,893, C>T on the plus strand (G>A on the coding strand, the complement: ABCG5 is on the minus strand). VCF-style: chr2-43822893-C-T. GRCh37 (hg19) VCF-style: chr2-44050032-C-T.
Other names: c.*16-4493C>T (NM_001348913.2, NM_001348912.2); short protein forms G456D.
Identifiers: ClinVar variation 3992564 (VCV003992564.1).

ClinVar aggregate classification (germline): Uncertain significance (1 of 4 stars; one submission).

Conditions:
Cardiovascular phenotype. Identifiers: MedGen CN230736.

Submission:

Ambry Genetics
Classification: Uncertain significance for Cardiovascular phenotype. Last evaluated: 2025-05-17. Review status: criteria provided, single submitter. Criteria: Ambry Variant Classification Scheme 2023. Collection method: clinical testing. Allele origin: germline.
Comment: The p.G456D variant (also known as c.1367G>A), located in coding exon 10 of the ABCG5 gene, results from a G to A substitution at nucleotide position 1367. The glycine at codon 456 is replaced by aspartic acid, an amino acid with similar properties. This amino acid position is conserved. In addition, this alteration is predicted to be deleterious by in silico analysis. Based on the available evidence, the clinical significance of this variant remains unclear.